The following is an entry in ClinVar:

NM_001365276.2(TNXB):c.8100C>T (p.His2700=)

Gene: TNXB (tenascin XB; minus strand). Cytogenetic location: 6p21.33.
Variant type: single nucleotide variant.
Coding change: c.8100C>T on transcript NM_001365276.2 (MANE Select); coding-DNA position 8100, C replaced by T.
Protein change: p.His2700=; no amino-acid change (histidine 2700 retained).
Molecular consequence: synonymous variant.
Genome position (GRCh38, 1-based): chr6:32,056,629, G>A on the plus strand (C>T on the coding strand, the complement: TNXB is on the minus strand). VCF-style: chr6-32056629-G-A. GRCh37 (hg19) VCF-style: chr6-32024406-G-A.
Other names: c.8841C>T, p.His2947= (NM_001428335.1); c.8100C>T, p.His2700= (NM_019105.8); c.8100C>T (NM_019105.6).
Identifiers: ClinVar variation 3778107 (VCV003778107.10).
Genomic context (GRCh38, chr6:32,056,629, plus strand): 5'-TGCCATCATCCACTCACCCGTCACCCCAATGACAGAGATGGGGCCCACGCGCTGGCCACC[G>A]TGGAAGCCGTACAGGTTCATCTTGTATTTATGGTCTGGCTCCAGGCCTGAGATGGTGACC-3'
Protein context (NP_001352205.1, residues 2690-2710): HKYKMNLYGF[His2700=]GGQRVGPISV

ClinVar aggregate classification (germline): Likely benign. Review status: criteria provided, multiple submitters, no conflicts (2 of 4 stars). 4 submissions from 4 submitters: Likely benign (4). Last evaluated 2025-11-05.

Conditions:
Cardiovascular phenotype. Identifiers: MedGen CN230736.

gnomAD v4.1: 20 of 1,613,074 alleles (0.0012%); highest among the groups gnomAD compares: South Asian, 0.0044%; no homozygotes.

Submissions (4):

Labcorp Genetics (formerly Invitae), Labcorp
Classification: Likely benign. Last evaluated: 2025-11-05. Review status: criteria provided, single submitter. Criteria: Invitae Variant Classification Sherloc (09022015). Collection method: clinical testing. Allele origin: germline.

Ambry Genetics
Classification: Likely benign for Cardiovascular phenotype. Last evaluated: 2025-04-30. Review status: criteria provided, single submitter. Criteria: Ambry Variant Classification Scheme 2023. Collection method: clinical testing. Allele origin: germline.

CeGaT Center for Human Genetics Tuebingen
Classification: Likely benign. Last evaluated: 2025-03-01. Review status: criteria provided, single submitter. Criteria: CeGaT Center For Human Genetics Tuebingen Variant Classification Criteria Version 2. Collection method: clinical testing. Allele origin: germline. Affected: yes. Observed: 1 variant allele.
Comment: TNXB: BP4, BP7

Laboratory of Genetics, Children's Clinical University Hospital Latvia
Classification: Likely benign. Last evaluated: 2025-02-16. Review status: criteria provided, single submitter. Criteria: ACMG Guidelines, 2015. Collection method: clinical testing. Allele origin: germline. Affected: yes.